The following is an entry in ClinVar:

NM_001184900.3(CARD8):c.766C>T (p.Leu256Phe)

Gene: CARD8 (caspase recruitment domain family member 8; minus strand). Cytogenetic location: 19q13.33.
Variant type: single nucleotide variant.
Coding change: c.766C>T on transcript NM_001184900.3 (MANE Select); coding-DNA position 766, C replaced by T.
Protein change: p.Leu256Phe; replaces leucine 256 with phenylalanine.
Molecular consequence: missense variant. On other transcripts: non-coding transcript variant (4).
Genome position (GRCh38, 1-based): chr19:48,230,783, G>A on the plus strand (C>T on the coding strand, the complement: CARD8 is on the minus strand). VCF-style: chr19-48230783-G-A. GRCh37 (hg19) VCF-style: chr19-48734040-G-A.
Other names: c.616C>T, p.Leu206Phe (NM_001184901.1, NM_001351783.2, NM_001351788.2 and 2 more transcripts); c.766C>T, p.Leu256Phe (NM_001184902.2, NM_001184903.1, NM_001351782.2); c.451C>T, p.Leu151Phe (NM_001351784.2, NM_001351787.2, NM_001351791.2 and 2 more transcripts); c.430C>T, p.Leu144Phe (NM_001351786.2); c.523C>T, p.Leu175Phe (NM_001351790.2); short protein forms L151F, L206F, L144F, L175F, L256F.
Identifiers: ClinVar variation 4702612 (VCV004702612.1).
Genomic context (GRCh38, chr19:48,230,783, plus strand): 5'-GTGAGACGGCACGCACCCCAGCGGCCCCCACAGCCTCCGCTCACCCCACATTACCTTGGA[G>A]GGAGATGAAGTGGGGGAGGTGGATTTCGGCGACAGCCTCCTCTGGCTCTGCAGTGACATC-3'
Protein context (NP_001171829.1, residues 246-266): AEIHLPHFIS[Leu256Phe]QAGEVDVSWF

ClinVar aggregate classification (germline): Uncertain significance (1 of 4 stars; one submission).

gnomAD v4.1: 6 of 1,613,934 alleles (0.00037%); highest among the groups gnomAD compares: Non-Finnish European, 0.00042%; no homozygotes.

Submission:

Labcorp Genetics (formerly Invitae), Labcorp
Classification: Uncertain significance. Last evaluated: 2025-11-16. Review status: criteria provided, single submitter. Criteria: Invitae Variant Classification Sherloc (09022015). Collection method: clinical testing. Allele origin: germline.
Comment: This sequence change replaces leucine, which is neutral and non-polar, with phenylalanine, which is neutral and non-polar, at codon 206 of the CARD8 protein (p.Leu206Phe). This variant is present in population databases (no rsID available, gnomAD 0.002%). This variant has not been reported in the literature in individuals affected with CARD8-related conditions. An algorithm developed to predict the effect of missense changes on protein structure and function (PolyPhen-2) suggests that this variant is likely to be disruptive. In summary, the available evidence is currently insufficient to determine the role of this variant in disease. Therefore, it has been classified as a Variant of Uncertain Significance.